The following is an entry in ClinVar:

NM_001558.4(IL10RA):c.362A>T (p.Asp121Val)

Gene: IL10RA (interleukin 10 receptor subunit alpha; plus strand). Cytogenetic location: 11q23.3.
Variant type: single nucleotide variant.
Coding change: c.362A>T on transcript NM_001558.4 (MANE Select); coding-DNA position 362, A replaced by T.
Protein change: p.Asp121Val; replaces aspartic acid 121 with valine.
Molecular consequence: missense variant. On other transcripts: non-coding transcript variant (1).
Genome position (GRCh38, 1-based): chr11:117,989,615, A>T. VCF-style: chr11-117989615-A-T. GRCh37 (hg19) VCF-style: chr11-117860330-A-T.
Other names: short protein forms D121V.
Identifiers: ClinVar variation 2002053 (VCV002002053.4), dbSNP rs2058009520, ClinGen allele CA382773888.

ClinVar aggregate classification (germline): Uncertain significance (1 of 4 stars; one submission).

Conditions:
Inflammatory bowel disease 28. Also called: Inflammatory bowel disease 28, early onset, autosomal recessive. Identifiers: Orphanet 238569, MedGen C2751053, MONDO:0013153, OMIM 613148.

Allele frequency attached by ClinVar (database versions not stated): TOPMed 0.00001.

Submission:

Labcorp Genetics (formerly Invitae), Labcorp
Classification: Uncertain significance for Inflammatory bowel disease 28. Last evaluated: 2022-06-02. Review status: criteria provided, single submitter. Criteria: Invitae Variant Classification Sherloc (09022015). Collection method: clinical testing. Allele origin: germline.
Comment: This sequence change replaces aspartic acid, which is acidic and polar, with valine, which is neutral and non-polar, at codon 121 of the IL10RA protein (p.Asp121Val). This variant is not present in population databases (gnomAD no frequency). This variant has not been reported in the literature in individuals affected with IL10RA-related conditions. Algorithms developed to predict the effect of missense changes on protein structure and function (SIFT, PolyPhen-2, Align-GVGD) all suggest that this variant is likely to be disruptive. In summary, the available evidence is currently insufficient to determine the role of this variant in disease. Therefore, it has been classified as a Variant of Uncertain Significance.